The following is an entry in ClinVar:

ClinVar aggregate classification (germline): Uncertain significance (1 of 4 stars; one submission).

Conditions:
Combined immunodeficiency due to STK4 deficiency (IMD110). Also called: STK4 DEFICIENCY; MST1 DEFICIENCY; T-cell immunodeficiency, recurrent infections, and autoimmunity with or without cardiac malformations. Identifiers: Orphanet 314689, MedGen C3553943, MONDO:0013934, OMIM 614868.

Submission:

Labcorp Genetics (formerly Invitae), Labcorp
Classification: Uncertain significance for Combined immunodeficiency due to STK4 deficiency. Last evaluated: 2022-12-07. Review status: criteria provided, single submitter. Criteria: Invitae Variant Classification Sherloc (09022015). Collection method: clinical testing. Allele origin: germline.
Comment: In summary, the available evidence is currently insufficient to determine the role of this variant in disease. Therefore, it has been classified as a Variant of Uncertain Significance. Experimental studies and prediction algorithms are not available or were not evaluated, and the functional significance of this variant is currently unknown. This variant has not been reported in the literature in individuals affected with STK4-related conditions. Information on the frequency of this variant in the gnomAD database is not available, as this variant may be reported differently in the database. This variant, c.1455_1456delinsTT, is a complex sequence change that results in the deletion of 2 and insertion of 2 amino acid(s) in the STK4 protein (p.Gln485_Asn486delinsHisTyr).

NM_006282.5(STK4):c.1455_1456inv (p.Gln485_Asn486delinsHisTyr)

Gene: STK4 (serine/threonine kinase 4; plus strand). Cytogenetic location: 20q13.12.
Variant type: Inversion.
Coding change: c.1455_1456inv on transcript NM_006282.5 (MANE Select).
Protein change: p.Gln485_Asn486delinsHisTyr.
Molecular consequence: missense variant. On other transcripts: 3 prime UTR variant (1).
Genome position: GRCh38 VCF-style: chr20-45075167-AA-TT. GRCh37 (hg19) VCF-style: chr20-43703808-AA-TT.
Other names: c.*161_*162inv (NM_001352385.2).
Identifiers: ClinVar variation 2873769 (VCV002873769.3), ClinGen allele CA2739277178.
Genomic context (GRCh38, chr20:45,075,167, plus strand): 5'-GTACCAGTCCAAGCGGCAGCCCATCCTGGATGCCATAGAGGCTAAGAAGAGACGGCAACA[AA>TT]ACTTCTGAGCAAGGCCAGGCTGTGAGGGCCCCAGCTCCACCCAGGCTTTGGGTGAATTCT-3'